The following is an entry in ClinVar:

NM_001378477.3(NYX):c.1031A>T (p.Asp344Val)

Gene: NYX (nyctalopin; plus strand). Cytogenetic location: Xp11.4.
Variant type: single nucleotide variant.
Coding change: c.1031A>T on transcript NM_001378477.3 (MANE Select); coding-DNA position 1031, A replaced by T.
Protein change: p.Asp344Val; replaces aspartic acid 344 with valine.
Molecular consequence: missense variant.
Genome position (GRCh38, 1-based): chrX:41,474,499, A>T. VCF-style: chrX-41474499-A-T. GRCh37 (hg19) VCF-style: chrX-41333752-A-T.
Other names: c.1031A>T, p.Asp344Val (NM_022567.3); short protein forms D344V.
Identifiers: ClinVar variation 1037929 (VCV001037929.9), dbSNP rs758241490, ClinGen allele CA10389899.

ClinVar aggregate classification (germline): Uncertain significance (1 of 4 stars; one submission).

Allele frequency attached by ClinVar (database versions not stated): gnomAD exomes 0.00001 and 0.00002; ExAC 0.00003; gnomAD 0.00005; TOPMed 0.00008; 1000 Genomes Project 30x 0.00021; 1000 Genomes Project 0.00026.
gnomAD v4.1: 13 of 1,206,291 alleles (0.0011%); highest among the groups gnomAD compares: African/African-American, 0.019%; no homozygotes.

Submission:

Labcorp Genetics (formerly Invitae), Labcorp
Classification: Uncertain significance. Last evaluated: 2025-07-27. Review status: criteria provided, single submitter. Criteria: Invitae Variant Classification Sherloc (09022015). Collection method: clinical testing. Allele origin: germline.
Comment: This sequence change replaces aspartic acid, which is acidic and polar, with valine, which is neutral and non-polar, at codon 349 of the NYX protein (p.Asp349Val). This variant is present in population databases (rs758241490, gnomAD 0.03%). This variant has not been reported in the literature in individuals affected with NYX-related conditions. ClinVar contains an entry for this variant (Variation ID: 1037929). Invitae Evidence Modeling of protein sequence and biophysical properties (such as structural, functional, and spatial information, amino acid conservation, physicochemical variation, residue mobility, and thermodynamic stability) indicates that this missense variant is not expected to disrupt NYX protein function with a negative predictive value of 80%. In summary, the available evidence is currently insufficient to determine the role of this variant in disease. Therefore, it has been classified as a Variant of Uncertain Significance.